The following is an entry in ClinVar:

ClinVar aggregate classification (germline): Conflicting classifications of pathogenicity. Review status: criteria provided, conflicting classifications (1 of 4 stars). 4 submissions from 4 submitters: Uncertain significance (3); Likely benign (1). Last evaluated 2025-10-17.

Conditions:
Early-infantile DEE. Also called: Early infantile epileptic encephalopathy; Ohtahara syndrome; Early infantile epileptic encephalopathy with suppression bursts. Identifiers: Orphanet 1934, MedGen C0393706, MONDO:0800491.
Developmental and epileptic encephalopathy, 7 (DEE7). Also called: KCNQ2-Related Neonatal-Onset Developmental and Epileptic Encephalopathy (NEO-DEE); KCNQ2-Related Neonatal Epileptic Encephalopathy; Early infantile epileptic encephalopathy 7. Identifiers: Orphanet 439218, MedGen C3150986, MONDO:0013387, OMIM 613720.
Seizures, benign familial neonatal, 1. Also called: KCNQ2-Related Self-Limited Familial Neonatal Epilepsy (SLFNE); Seizures, benign neonatal, 1; Benign Neonatal Epilepsy 1; KCNQ2-Related Benign Familial Neonatal Epilepsy. Identifiers: Orphanet 1949, MedGen C3149074, MONDO:0007365, OMIM 121200.

Allele frequency attached by ClinVar (database versions not stated): ExAC below 0.00001; gnomAD 0.00001; TOPMed 0.00001; gnomAD exomes 0.00004.
gnomAD v4.1: 26 of 1,555,710 alleles (0.0017%); highest among the groups gnomAD compares: Middle Eastern, 0.033%; 1 homozygote.

Submissions (10):

GeneDx
Classification: Likely benign. Last evaluated: 2025-10-17. Review status: criteria provided, single submitter. Criteria: GeneDx Variant Classification Process June 2021. Collection method: clinical testing. Allele origin: germline.
Comment: See Variant Classification Assertion Criteria.

Labcorp Genetics (formerly Invitae), Labcorp
Classification: Uncertain significance for Early-infantile DEE. Last evaluated: 2025-10-07. Review status: criteria provided, single submitter. Criteria: Invitae Variant Classification Sherloc (09022015). Collection method: clinical testing. Allele origin: germline.
Comment: This sequence change replaces proline, which is neutral and non-polar, with leucine, which is neutral and non-polar, at codon 410 of the KCNQ2 protein (p.Pro410Leu). The frequency data for this variant in the population databases is considered unreliable, as metrics indicate poor data quality at this position in the gnomAD database. This variant has not been reported in the literature in individuals affected with KCNQ2-related conditions. ClinVar contains an entry for this variant (Variation ID: 461403). Invitae Evidence Modeling of protein sequence and biophysical properties (such as structural, functional, and spatial information, amino acid conservation, physicochemical variation, residue mobility, and thermodynamic stability) indicates that this missense variant is not expected to disrupt KCNQ2 protein function with a negative predictive value of 95%. Experimental studies are conflicting or provide insufficient evidence to determine the effect of this variant on KCNQ2 function (PMID: 35104249). In summary, the available evidence is currently insufficient to determine the role of this variant in disease. Therefore, it has been classified as a Variant of Uncertain Significance.

CeGaT Center for Human Genetics Tuebingen
Classification: Uncertain significance. Last evaluated: 2023-03-01. Review status: criteria provided, single submitter. Criteria: CeGaT Center For Human Genetics Tuebingen Variant Classification Criteria Version 2. Collection method: clinical testing. Allele origin: germline. Affected: yes. Observed: 2 variant alleles.
Comment: KCNQ2: PP2, BS1:Supporting

Mayo Clinic Laboratories, Mayo Clinic
Classification: Uncertain significance for Developmental and epileptic encephalopathy, 7; Seizures, benign familial neonatal, 1. Last evaluated: 2016-11-28. Review status: criteria provided, single submitter. Criteria: ACMG Guidelines, 2015. Collection method: clinical testing. Allele origin: paternal.

Channelopathy-Associated Epilepsy Research Center
No classification provided (evidence only). Condition: Complex neurodevelopmental disorder. Review status: no classification provided. Collection method: literature only. Allele origin: not applicable. Functional consequence: Moderate decrease in peak current, Normal rate of activation, Severe hyperpolarizing shift of voltage dependence of activation. Not counted in ClinVar's aggregate classification.
ClinVar note: "not provided" was previously submitted as the classification for the variant. However, the classification appeared to be based only on an observation of functional data so it was converted to no classification on 2025-07-30.

Channelopathy-Associated Epilepsy Research Center
No classification provided (evidence only). Review status: no classification provided. Collection method: in vitro. Allele origin: not applicable. Functional consequence: Normal peak current. Not counted in ClinVar's aggregate classification.

Channelopathy-Associated Epilepsy Research Center
No classification provided (evidence only). Review status: no classification provided. Collection method: in vitro. Allele origin: not applicable. Functional consequence: Normal peak current. Not counted in ClinVar's aggregate classification.

Channelopathy-Associated Epilepsy Research Center
No classification provided (evidence only). Review status: no classification provided. Collection method: in vitro. Allele origin: not applicable. Functional consequence: Normal voltage dependence of activation. Not counted in ClinVar's aggregate classification.

Channelopathy-Associated Epilepsy Research Center
No classification provided (evidence only). Review status: no classification provided. Collection method: in vitro. Allele origin: not applicable. Functional consequence: Normal slope of activation. Not counted in ClinVar's aggregate classification.

Channelopathy-Associated Epilepsy Research Center
No classification provided (evidence only). Review status: no classification provided. Collection method: in vitro. Allele origin: not applicable. Functional consequence: Normal rate of activation. Not counted in ClinVar's aggregate classification.

Literature cited by the submitters: PubMed 35104249 (cited by Labcorp Genetics (formerly Invitae), Labcorp and Channelopathy-Associated Epilepsy Research Center).

NM_172107.4(KCNQ2):c.1229C>T (p.Pro410Leu)

Gene: KCNQ2 (potassium voltage-gated channel subfamily Q member 2; minus strand). Cytogenetic location: 20q13.33.
Variant type: single nucleotide variant.
Coding change: c.1229C>T on transcript NM_172107.4 (MANE Select); coding-DNA position 1229, C replaced by T.
Protein change: p.Pro410Leu; replaces proline 410 with leucine.
Molecular consequence: missense variant.
Genome position (GRCh38, 1-based): chr20:63,424,195, G>A on the plus strand (C>T on the coding strand, the complement: KCNQ2 is on the minus strand). VCF-style: chr20-63424195-G-A. GRCh37 (hg19) VCF-style: chr20-62055548-G-A.
Other names: c.1199C>T, p.Pro400Leu (NM_004518.6); c.1229C>T, p.Pro410Leu (NM_172106.3, NM_172108.5); short protein forms P410L, P400L.
Identifiers: ClinVar variation 461403 (VCV000461403.56), dbSNP rs752579642, ClinGen allele CA9958554.